The following is an entry in ClinVar:

NM_005228.5(EGFR):c.1748C>T (p.Ala583Val)

Gene: EGFR (epidermal growth factor receptor; plus strand). Cytogenetic location: 7p11.2.
Variant type: single nucleotide variant.
Coding change: c.1748C>T on transcript NM_005228.5 (MANE Select); coding-DNA position 1748, C replaced by T.
Protein change: p.Ala583Val; replaces alanine 583 with valine.
Molecular consequence: missense variant.
Genome position (GRCh38, 1-based): chr7:55,165,305, C>T. VCF-style: chr7-55165305-C-T. GRCh37 (hg19) VCF-style: chr7-55232998-C-T.
Other names: c.1748C>T (NM_005228.3); c.1613C>T, p.Ala538Val (NM_001346897.2, NM_001346899.2); c.1748C>T, p.Ala583Val (NM_001346898.2, NM_201282.2, NM_201284.2); c.1589C>T, p.Ala530Val (NM_001346900.2); c.947C>T, p.Ala316Val (NM_001346941.2); short protein forms A316V, A530V, A538V, A583V.
Identifiers: ClinVar variation 1010048 (VCV001010048.8), dbSNP rs1447966312, ClinGen allele CA367580670.
Genomic context (GRCh38, chr7:55,165,305, plus strand): 5'-GACATGCATGAACATTTTTCTCCACCTTGGTGCAGGGACCAGACAACTGTATCCAGTGTG[C>T]CCACTACATTGACGGCCCCCACTGCGTCAAGACCTGCCCGGCAGGAGTCATGGGAGAAAA-3'
Protein context (NP_005219.2, residues 573-593): GRGPDNCIQC[Ala583Val]HYIDGPHCVK

ClinVar aggregate classification (germline): Uncertain significance. Review status: criteria provided, multiple submitters, no conflicts (2 of 4 stars). 2 submissions from 2 submitters: Uncertain significance (2). Last evaluated 2026-07-29.

Conditions:
EGFR-related lung cancer (EGFR). Identifiers: MedGen CN130014.
Hereditary cancer-predisposing syndrome. Also called: Tumor predisposition; Hereditary Cancer Syndrome; Hereditary neoplastic syndrome; Neoplastic Syndromes, Hereditary. Identifiers: Orphanet 140162, MedGen C0027672, MeSH D009386, MONDO:0015356.

Allele frequency attached by ClinVar (database versions not stated): gnomAD exomes below 0.00001; TOPMed below 0.00001; gnomAD 0.00001.
gnomAD v4.1: 6 of 1,614,040 alleles (0.00037%); highest among the groups gnomAD compares: Non-Finnish European, 0.00051%; no homozygotes.

Submissions (2):

Ambry Genetics
Classification: Uncertain significance for Hereditary cancer-predisposing syndrome. Last evaluated: 2026-07-29. Review status: criteria provided, single submitter. Criteria: Ambry Variant Classification Scheme 2023. Collection method: clinical testing. Allele origin: germline.
Comment: The p.A583V variant (also known as c.1748C>T), located in coding exon 15 of the EGFR gene, results from a C to T substitution at nucleotide position 1748. The alanine at codon 583 is replaced by valine, an amino acid with similar properties. This amino acid position is well conserved in available vertebrate species. In addition, this alteration is predicted to be tolerated by in silico analysis. Based on the available evidence, the clinical significance of this variant remains unclear.

Labcorp Genetics (formerly Invitae), Labcorp
Classification: Uncertain significance for EGFR-related lung cancer. Last evaluated: 2024-09-23. Review status: criteria provided, single submitter. Criteria: Invitae Variant Classification Sherloc (09022015). Collection method: clinical testing. Allele origin: germline.
Comment: This sequence change replaces alanine, which is neutral and non-polar, with valine, which is neutral and non-polar, at codon 583 of the EGFR protein (p.Ala583Val). This variant is not present in population databases (gnomAD no frequency). This variant has not been reported in the literature in individuals affected with EGFR-related conditions. ClinVar contains an entry for this variant (Variation ID: 1010048). Invitae Evidence Modeling of protein sequence and biophysical properties (such as structural, functional, and spatial information, amino acid conservation, physicochemical variation, residue mobility, and thermodynamic stability) indicates that this missense variant is not expected to disrupt EGFR protein function with a negative predictive value of 80%. In summary, the available evidence is currently insufficient to determine the role of this variant in disease. Therefore, it has been classified as a Variant of Uncertain Significance.